The following is an entry in ClinVar:

ClinVar aggregate classification (germline): Uncertain significance (1 of 4 stars; one submission).

Allele frequency attached by ClinVar (database versions not stated): TOPMed 0.00001.
gnomAD v4.1: 6 of 1,607,204 alleles (0.00037%); no homozygotes.

Submission:

Labcorp Genetics (formerly Invitae), Labcorp
Classification: Uncertain significance. Last evaluated: 2025-04-24. Review status: criteria provided, single submitter. Criteria: Invitae Variant Classification Sherloc (09022015). Collection method: clinical testing. Allele origin: germline.
Comment: This sequence change replaces aspartic acid, which is acidic and polar, with valine, which is neutral and non-polar, at codon 44 of the ERBB2 protein (p.Asp44Val). This variant is not present in population databases (gnomAD no frequency). This variant has not been reported in the literature in individuals affected with ERBB2-related conditions. ClinVar contains an entry for this variant (Variation ID: 2172765). Invitae Evidence Modeling of protein sequence and biophysical properties (such as structural, functional, and spatial information, amino acid conservation, physicochemical variation, residue mobility, and thermodynamic stability) indicates that this missense variant is not expected to disrupt ERBB2 protein function with a negative predictive value of 80%. In summary, the available evidence is currently insufficient to determine the role of this variant in disease. Therefore, it has been classified as a Variant of Uncertain Significance.

NM_004448.4(ERBB2):c.131A>T (p.Asp44Val)

Gene: ERBB2 (erb-b2 receptor tyrosine kinase 2; plus strand). Cytogenetic location: 17q12.
Variant type: single nucleotide variant.
Coding change: c.131A>T on transcript NM_004448.4 (MANE Select); coding-DNA position 131, A replaced by T.
Protein change: p.Asp44Val; replaces aspartic acid 44 with valine.
Molecular consequence: missense variant. On other transcripts: non-coding transcript variant (1), intron variant (1).
Genome position (GRCh38, 1-based): chr17:39,707,047, A>T. VCF-style: chr17-39707047-A-T. GRCh37 (hg19) VCF-style: chr17-37863300-A-T.
Other names: c.41A>T, p.Asp14Val (NM_001005862.3, NM_001289938.2, NM_001382782.1 and 1 more transcripts); c.86A>T, p.Asp29Val (NM_001289936.2); c.131A>T, p.Asp44Val (NM_001289937.2, NM_001382784.1, NM_001382785.1 and 20 more transcripts); c.74-4881A>T (NM_001382804.1); short protein forms D29V, D44V, D14V.
Identifiers: ClinVar variation 2172765 (VCV002172765.4), dbSNP rs1311415529, ClinGen allele CA399270405.